The following is an entry in ClinVar:

NM_000178.4(GSS):c.1029+4C>T

Gene: GSS (glutathione synthetase; minus strand). Cytogenetic location: 20q11.22.
Variant type: single nucleotide variant.
Coding change: c.1029+4C>T on transcript NM_000178.4 (MANE Select); 4 bases into the intron after coding-DNA position 1029, C replaced by T.
Molecular consequence: intron variant.
Genome position (GRCh38, 1-based): chr20:34,931,935, G>A on the plus strand (C>T on the coding strand, the complement: GSS is on the minus strand). VCF-style: chr20-34931935-G-A. GRCh37 (hg19) VCF-style: chr20-33519738-G-A.
Other names: c.1029+4C>T (NM_001322494.1, NM_001322495.1).
Identifiers: ClinVar variation 668330 (VCV000668330.1), dbSNP rs761193810, ClinGen allele CA9825903.

ClinVar aggregate classification (germline): Likely benign (1 of 4 stars; one submission).

Allele frequency attached by ClinVar (database versions not stated): TOPMed 0.00002; gnomAD 0.00003.
gnomAD v4.1: 26 of 1,613,088 alleles (0.0016%); highest among the groups gnomAD compares: African/African-American, 0.0053%; no homozygotes.

Submission:

GeneDx
Classification: Likely benign. Last evaluated: 2018-05-30. Review status: criteria provided, single submitter. Criteria: GeneDx Variant Classification (06012015). Collection method: clinical testing. Allele origin: germline. Affected: yes.
Comment: This variant is considered likely benign or benign based on one or more of the following criteria: it is a conservative change, it occurs at a poorly conserved position in the protein, it is predicted to be benign by multiple in silico algorithms, and/or has population frequency not consistent with disease.